The following is an entry in ClinVar:

NM_001017420.3(ESCO2):c.351A>G (p.Lys117=)

Gene: ESCO2 (establishment of sister chromatid cohesion N-acetyltransferase 2; plus strand). Cytogenetic location: 8p21.1.
Variant type: single nucleotide variant.
Coding change: c.351A>G on transcript NM_001017420.3 (MANE Select); coding-DNA position 351, A replaced by G.
Protein change: p.Lys117=; no amino-acid change (lysine 117 retained).
Molecular consequence: synonymous variant.
Genome position (GRCh38, 1-based): chr8:27,776,659, A>G. VCF-style: chr8-27776659-A-G. GRCh37 (hg19) VCF-style: chr8-27634176-A-G.
Identifiers: ClinVar variation 765211 (VCV000765211.16), dbSNP rs139322666, ClinGen allele CA4692038.

ClinVar aggregate classification (germline): Likely benign. Review status: criteria provided, multiple submitters, no conflicts (2 of 4 stars). 2 submissions from 2 submitters: Likely benign (2). Last evaluated 2026-01-22.

Allele frequency attached by ClinVar (database versions not stated): gnomAD exomes 0.00006 and 0.00008; ExAC 0.00007; TOPMed 0.00009; ESP Exome Variant Server 0.00023.

Submissions (2):

Labcorp Genetics (formerly Invitae), Labcorp
Classification: Likely benign. Last evaluated: 2026-01-22. Review status: criteria provided, single submitter. Criteria: Invitae Variant Classification Sherloc (09022015). Collection method: clinical testing. Allele origin: germline.

CeGaT Center for Human Genetics Tuebingen
Classification: Likely benign. Last evaluated: 2025-09-01. Review status: criteria provided, single submitter. Criteria: CeGaT Center For Human Genetics Tuebingen Variant Classification Criteria Version 2. Collection method: clinical testing. Allele origin: germline. Affected: yes. Observed: 1 variant allele.
Comment: ESCO2: BP4, BP7